The following is an entry in ClinVar:

NM_001037.5(SCN1B):c.448+160T>C

Gene: SCN1B (sodium voltage-gated channel beta subunit 1; plus strand). Cytogenetic location: 19q13.11.
Variant type: single nucleotide variant.
Coding change: c.448+160T>C on transcript NM_001037.5 (MANE Select); 160 bases into the intron after coding-DNA position 448, T replaced by C.
Molecular consequence: intron variant. On other transcripts: missense variant (1).
Genome position (GRCh38, 1-based): chr19:35,033,899, T>C. VCF-style: chr19-35033899-T-C. GRCh37 (hg19) VCF-style: chr19-35524803-T-C.
Other names: c.608T>C, p.Leu203Pro (NM_199037.5); c.349+160T>C (NM_001321605.2); short protein forms L203P.
Identifiers: ClinVar variation 3629738 (VCV003629738.2).

ClinVar aggregate classification (germline): Uncertain significance. Review status: criteria provided, multiple submitters, no conflicts (2 of 4 stars). 2 submissions from 2 submitters: Uncertain significance (2). Last evaluated 2025-11-24.

Conditions:
Brugada syndrome 5 (BRGDA5). Identifiers: Orphanet 130, Orphanet 871, MedGen C2748541, MONDO:0013015, OMIM 612838.

gnomAD v4.1: 5 of 1,587,956 alleles (0.00031%); highest among the groups gnomAD compares: Middle Eastern, 0.017%; no homozygotes.

Submissions (2):

Labcorp Genetics (formerly Invitae), Labcorp
Classification: Uncertain significance for Brugada syndrome 5. Last evaluated: 2025-11-24. Review status: criteria provided, single submitter. Criteria: Invitae Variant Classification Sherloc (09022015). Collection method: clinical testing. Allele origin: germline.
Comment: This sequence change replaces leucine, which is neutral and non-polar, with proline, which is neutral and non-polar, at codon 203 of the SCN1B protein (p.Leu203Pro). This variant is present in population databases (no rsID available, gnomAD 0.001%). This variant has not been reported in the literature in individuals affected with SCN1B-related conditions. ClinVar contains an entry for this variant (Variation ID: 3629738). An algorithm developed to predict the effect of missense changes on protein structure and function outputs the following: PolyPhen-2: "Possibly Damaging". The proline amino acid residue is found in multiple mammalian species, which suggests that this missense change does not adversely affect protein function. In summary, the available evidence is currently insufficient to determine the role of this variant in disease. Therefore, it has been classified as a Variant of Uncertain Significance.

Women's Health and Genetics/Laboratory Corporation of America, LabCorp
Classification: Uncertain significance. Last evaluated: 2024-11-10. Review status: criteria provided, single submitter. Criteria: LabCorp Variant Classification Summary - May 2015. Collection method: clinical testing. Allele origin: germline.